The following is an entry in ClinVar:

NM_003611.3(OFD1):c.1291G>T (p.Val431Phe)

Gene: OFD1 (OFD1 centriole and centriolar satellite protein; plus strand). Cytogenetic location: Xp22.2.
Variant type: single nucleotide variant.
Coding change: c.1291G>T on transcript NM_003611.3 (MANE Select); coding-DNA position 1291, G replaced by T.
Protein change: p.Val431Phe; replaces valine 431 with phenylalanine.
Molecular consequence: missense variant.
Genome position (GRCh38, 1-based): chrX:13,756,647, G>T. VCF-style: chrX-13756647-G-T. GRCh37 (hg19) VCF-style: chrX-13774766-G-T.
Other names: c.1171G>T, p.Val391Phe (NM_001330209.2); c.871G>T, p.Val291Phe (NM_001330210.2); short protein forms V291F, V431F, V391F.
Identifiers: ClinVar variation 2941603 (VCV002941603.3), dbSNP rs2518910399, ClinGen allele CA412342642.

ClinVar aggregate classification (germline): Uncertain significance (1 of 4 stars; one submission).

Conditions:
Joubert syndrome. Also called: CEREBELLOPARENCHYMAL DISORDER IV; JOUBERT-BOLTSHAUSER SYNDROME; Familial aplasia of the vermis. Identifiers: Orphanet 475, MedGen C5979921, MONDO:0018772.
Orofaciodigital syndrome I (OFD1). Also called: OFDS I; Papillon-Leage and Psaume Syndrome; Oral-Facial-Digital Syndrome Type I. Identifiers: Orphanet 2750, MedGen C1510460, MONDO:0010702, OMIM 311200.

Submission:

Labcorp Genetics (formerly Invitae), Labcorp
Classification: Uncertain significance for Orofaciodigital syndrome I; Joubert syndrome. Last evaluated: 2022-11-16. Review status: criteria provided, single submitter. Criteria: Invitae Variant Classification Sherloc (09022015). Collection method: clinical testing. Allele origin: germline.
Comment: In summary, the available evidence is currently insufficient to determine the role of this variant in disease. Therefore, it has been classified as a Variant of Uncertain Significance. Advanced modeling of protein sequence and biophysical properties (such as structural, functional, and spatial information, amino acid conservation, physicochemical variation, residue mobility, and thermodynamic stability) performed at Invitae indicates that this missense variant is not expected to disrupt OFD1 protein function. This variant has not been reported in the literature in individuals affected with OFD1-related conditions. This variant is not present in population databases (gnomAD no frequency). This sequence change replaces valine, which is neutral and non-polar, with phenylalanine, which is neutral and non-polar, at codon 431 of the OFD1 protein (p.Val431Phe).